The following is an entry in ClinVar:

NM_007327.4(GRIN1):c.1847A>G (p.Asn616Ser)

Gene: GRIN1 (glutamate ionotropic receptor NMDA type subunit 1; plus strand). Cytogenetic location: 9q34.3.
Variant type: single nucleotide variant.
Coding change: c.1847A>G on transcript NM_007327.4 (MANE Select); coding-DNA position 1847, A replaced by G.
Protein change: p.Asn616Ser; replaces asparagine 616 with serine.
Molecular consequence: missense variant.
Genome position (GRCh38, 1-based): chr9:137,162,499, A>G. VCF-style: chr9-137162499-A-G. GRCh37 (hg19) VCF-style: chr9-140056951-A-G.
Other names: c.1847A>G, p.Asn616Ser (NM_000832.7, NM_021569.4); c.1910A>G, p.Asn637Ser (NM_001185090.2, NM_001185091.2); short protein forms N616S, N637S.
Identifiers: ClinVar variation 567084 (VCV000567084.2), dbSNP rs1564363665, ClinGen allele CA375719880.

ClinVar aggregate classification (germline): Likely pathogenic (1 of 4 stars; one submission).

Conditions:
Neurodevelopmental disorder with or without hyperkinetic movements and seizures, autosomal dominant. Also called: Intellectual disability, autosomal dominant 8. Identifiers: MedGen C3280282, MONDO:0013655, OMIM 614254.

Submission:

Labcorp Genetics (formerly Invitae), Labcorp
Classification: Likely pathogenic for Neurodevelopmental disorder with or without hyperkinetic movements and seizures, autosomal dominant. Last evaluated: 2018-08-27. Review status: criteria provided, single submitter. Criteria: Invitae Variant Classification Sherloc (09022015). Collection method: clinical testing. Allele origin: germline.
Comment: This sequence change replaces asparagine with serine at codon 616 of the GRIN1 protein (p.Asn616Ser). The asparagine residue is highly conserved and there is a small physicochemical difference between asparagine and serine. This variant is not present in population databases (ExAC no frequency). Algorithms developed to predict the effect of missense changes on protein structure and function are either unavailable or do not agree on the potential impact of this missense change (SIFT: "Deleterious"; PolyPhen-2: "Probably Damaging"; Align-GVGD: "Class C0"). Algorithms developed to predict the effect of sequence changes on RNA splicing suggest that this variant may create or strengthen a splice site, but this prediction has not been confirmed by published transcriptional studies. In summary, the currently available evidence indicates that the variant is pathogenic, but additional data are needed to prove that conclusively. Therefore, this variant has been classified as Likely Pathogenic.